The following is an entry in ClinVar:

NM_004281.4(BAG3):c.1291A>G (p.Lys431Glu)

Gene: BAG3 (BAG cochaperone 3; plus strand). Cytogenetic location: 10q26.11.
Variant type: single nucleotide variant.
Coding change: c.1291A>G on transcript NM_004281.4 (MANE Select); coding-DNA position 1291, A replaced by G.
Protein change: p.Lys431Glu; replaces lysine 431 with glutamic acid.
Molecular consequence: missense variant.
Genome position (GRCh38, 1-based): chr10:119,676,845, A>G. VCF-style: chr10-119676845-A-G. GRCh37 (hg19) VCF-style: chr10-121436357-A-G.
Other names: short protein forms K431E.
Identifiers: ClinVar variation 1045773 (VCV001045773.14), dbSNP rs1374652846, ClinGen allele CA378296999.

ClinVar aggregate classification (germline): Uncertain significance. Review status: criteria provided, multiple submitters, no conflicts (2 of 4 stars). 5 submissions from 5 submitters: Uncertain significance (5). Last evaluated 2026-01-27.

Conditions:
Dilated cardiomyopathy 1HH (CMD1HH). Identifiers: Orphanet 154, MedGen C3151293, MONDO:0013479, OMIM 613881.
Myofibrillar myopathy 6. Identifiers: Orphanet 199340, MedGen C2751831, MONDO:0013061, OMIM 612954.
Cardiovascular phenotype. Identifiers: MedGen CN230736.

Allele frequency attached by ClinVar (database versions not stated): gnomAD exomes 0.00001 and 0.00003; TOPMed 0.00002; gnomAD 0.00003 and 0.00004.
gnomAD v4.1: 55 of 1,614,042 alleles (0.0034%); highest among the groups gnomAD compares: Non-Finnish European, 0.0042%; no homozygotes.

Submissions (5):

Labcorp Genetics (formerly Invitae), Labcorp
Classification: Uncertain significance for Dilated cardiomyopathy 1HH; Myofibrillar myopathy 6. Last evaluated: 2026-01-27. Review status: criteria provided, single submitter. Criteria: Invitae Variant Classification Sherloc (09022015). Collection method: clinical testing. Allele origin: germline.
Comment: This sequence change replaces lysine, which is basic and polar, with glutamic acid, which is acidic and polar, at codon 431 of the BAG3 protein (p.Lys431Glu). This variant is present in population databases (no rsID available, gnomAD 0.003%). This variant has not been reported in the literature in individuals affected with BAG3-related conditions. ClinVar contains an entry for this variant (Variation ID: 1045773). Invitae Evidence Modeling of protein sequence and biophysical properties (such as structural, functional, and spatial information, amino acid conservation, physicochemical variation, residue mobility, and thermodynamic stability) indicates that this missense variant is not expected to disrupt BAG3 protein function with a negative predictive value of 80%. In summary, the available evidence is currently insufficient to determine the role of this variant in disease. Therefore, it has been classified as a Variant of Uncertain Significance.

Women's Health and Genetics/Laboratory Corporation of America, LabCorp
Classification: Uncertain significance. Last evaluated: 2024-01-15. Review status: criteria provided, single submitter. Criteria: LabCorp Variant Classification Summary - May 2015. Collection method: clinical testing. Allele origin: germline.

Ambry Genetics
Classification: Uncertain significance for Cardiovascular phenotype. Last evaluated: 2023-05-25. Review status: criteria provided, single submitter. Criteria: Ambry Variant Classification Scheme 2023. Collection method: clinical testing. Allele origin: germline.
Comment: The p.K431E variant (also known as c.1291A>G), located in coding exon 4 of the BAG3 gene, results from an A to G substitution at nucleotide position 1291. The lysine at codon 431 is replaced by glutamic acid, an amino acid with similar properties. This amino acid position is not well conserved in available vertebrate species. In addition, the in silico prediction for this alteration is inconclusive. Since supporting evidence is limited at this time, the clinical significance of this alteration remains unclear.

Blueprint Genetics
Classification: Uncertain significance. Last evaluated: 2020-06-15. Review status: criteria provided, single submitter. Criteria: ACMG Guidelines, 2015. Collection method: clinical testing. Allele origin: germline.

GeneDx
Classification: Uncertain significance. Last evaluated: 2019-05-29. Review status: criteria provided, single submitter. Criteria: GeneDx Variant Classification Process June 2021. Collection method: clinical testing. Allele origin: germline. Affected: yes.
Comment: Not observed at a significant frequency in large population cohorts (Lek et al., 2016); In silico analysis, which includes protein predictors and evolutionary conservation, supports that this variant does not alter protein structure/function; Has not been previously published as pathogenic or benign to our knowledge